The following is an entry in ClinVar:

NM_138713.4(NFAT5):c.1745G>A (p.Arg582Lys)

Gene: NFAT5 (nuclear factor of activated T cells 5; plus strand). Cytogenetic location: 16q22.1.
Variant type: single nucleotide variant.
Coding change: c.1745G>A on transcript NM_138713.4 (MANE Select); coding-DNA position 1745, G replaced by A.
Protein change: p.Arg582Lys; replaces arginine 582 with lysine.
Molecular consequence: missense variant.
Genome position (GRCh38, 1-based): chr16:69,684,941, G>A. VCF-style: chr16-69684941-G-A. GRCh37 (hg19) VCF-style: chr16-69718844-G-A.
Other names: c.1742G>A, p.Arg581Lys (NM_001113178.3); c.1070G>A, p.Arg357Lys (NM_001367709.1); c.1691G>A, p.Arg564Lys (NM_006599.4); c.1463G>A, p.Arg488Lys (NM_138714.4, NM_173214.3, NM_173215.3); c.1745G>A (NM_138713.3); short protein forms R357K, R564K, R581K, R582K, R488K.
Identifiers: ClinVar variation 1470552 (VCV001470552.9), dbSNP rs1234391444, ClinGen allele CA396502304.
Genomic context (GRCh38, chr16:69,684,941, plus strand): 5'-TAATAGCAGCAGCTGGTGCTTTGAATGTAAATGTGAAGAAGGAAATATCTAGTCCAGCAA[G>A]ACCTTGCTCTTTTGAAGAGGCCATGAAAGGTACCAAGTAAATTCTTCTCAAAAATCGTAA-3'
Protein context (NP_619727.2, residues 572-592): NVKKEISSPA[Arg582Lys]PCSFEEAMKA

ClinVar aggregate classification (germline): Uncertain significance. Review status: criteria provided, multiple submitters, no conflicts (2 of 4 stars). 2 submissions from 2 submitters: Uncertain significance (2). Last evaluated 2025-03-26.

Conditions:
Immunodeficiency. Identifiers: MedGen C0021051, MONDO:0021094, HP:0002721.

Allele frequency attached by ClinVar (database versions not stated): gnomAD 0.00001; TOPMed 0.00001.

Submissions (2):

Ambry Genetics
Classification: Uncertain significance. Last evaluated: 2025-03-26. Review status: criteria provided, single submitter. Criteria: Ambry Variant Classification Scheme 2023. Collection method: clinical testing. Allele origin: germline.

Labcorp Genetics (formerly Invitae), Labcorp
Classification: Uncertain significance for Immunodeficiency. Last evaluated: 2021-04-30. Review status: criteria provided, single submitter. Criteria: Invitae Variant Classification Sherloc (09022015). Collection method: clinical testing. Allele origin: germline.
Comment: This sequence change replaces arginine with lysine at codon 488 of the NFAT5 protein (p.Arg488Lys). The arginine residue is moderately conserved and there is a small physicochemical difference between arginine and lysine. This variant is not present in population databases (ExAC no frequency). This variant has not been reported in the literature in individuals with NFAT5-related conditions. Algorithms developed to predict the effect of missense changes on protein structure and function (SIFT, PolyPhen-2, Align-GVGD) all suggest that this variant is likely to be tolerated, but these predictions have not been confirmed by published functional studies and their clinical significance is uncertain. In summary, the available evidence is currently insufficient to determine the role of this variant in disease. Therefore, it has been classified as a Variant of Uncertain Significance.